The following is an entry in ClinVar:

NM_015559.3(SETBP1):c.487-1G>A

Gene: SETBP1 (SET binding protein 1; plus strand). Cytogenetic location: 18q12.3.
Variant type: single nucleotide variant.
Coding change: c.487-1G>A on transcript NM_015559.3 (MANE Select); the canonical splice acceptor site of the intron before coding-DNA position 487, G replaced by A.
Molecular consequence: splice acceptor variant.
Genome position (GRCh38, 1-based): chr18:44,869,229, G>A. VCF-style: chr18-44869229-G-A. GRCh37 (hg19) VCF-style: chr18-42449194-G-A.
Other names: c.487-1G>A (NM_001379141.1, NM_001130110.2, NM_001410862.1 and 1 more transcripts).
Identifiers: ClinVar variation 429524 (VCV000429524.14), dbSNP rs147805077, ClinGen allele CA8945403.
Genomic context (GRCh38, chr18:44,869,229, plus strand): 5'-GTGGGGATACTGTATGCAAACTGAAAAGTGTCACTGAGAAAATTTCTTTATTCTTTTGCA[G>A]CTCCTCACAGCCAGTGACCTTGCAGCCAGTGACCTCAAAGGATTTCAGCCACAGGTAAGT-3'

ClinVar aggregate classification (germline): Conflicting classifications of pathogenicity. Review status: criteria provided, conflicting classifications (1 of 4 stars). 5 submissions from 5 submitters: Likely pathogenic (1); Uncertain significance (4). Last evaluated 2026-02-13.

Conditions:
Intellectual developmental disorder, autosomal dominant 29. Also called: Intellectual disability, autosomal dominant 29; SETBP1 Haploinsufficiency Disorder. Identifiers: Orphanet 436151, MedGen C4015141, MONDO:0014482, OMIM 616078.

Allele frequency attached by ClinVar (database versions not stated): gnomAD exomes 0.00002 and 0.00001; ExAC 0.00002; gnomAD 0.00006 and 0.00007; TOPMed 0.00009; ESP Exome Variant Server 0.00015.
gnomAD v4.1: 24 of 1,613,868 alleles (0.0015%); highest among the groups gnomAD compares: African/African-American, 0.031%; no homozygotes.

Submissions (5):

OLLIN Analises Genomicas, OLLIN
Classification: Uncertain significance for Intellectual developmental disorder, autosomal dominant 29. Last evaluated: 2026-02-13. Review status: criteria provided, single submitter. Criteria: ACMG Guidelines 2015 PMID 25741868. Collection method: clinical testing. Allele origin: germline. Observed: 1 variant allele.
Comment: PVS1

Labcorp Genetics (formerly Invitae), Labcorp
Classification: Likely pathogenic. Last evaluated: 2025-12-13. Review status: criteria provided, single submitter. Criteria: Invitae Variant Classification Sherloc (09022015). Collection method: clinical testing. Allele origin: germline.
Comment: This sequence change affects an acceptor splice site in intron 2 of the SETBP1 gene. It is expected to disrupt RNA splicing. Variants that disrupt the donor or acceptor splice site typically lead to a loss of protein function (PMID: 16199547), and loss-of-function variants in SETBP1 are known to be pathogenic (PMID: 21037274, 25217958). This variant is present in population databases (rs147805077, gnomAD 0.02%). This variant has not been reported in the literature in individuals affected with SETBP1-related conditions. ClinVar contains an entry for this variant (Variation ID: 429524). Algorithms developed to predict the effect of sequence changes on RNA splicing suggest that this variant may disrupt the consensus splice site. In summary, the currently available evidence indicates that the variant is pathogenic, but additional data are needed to prove that conclusively. Therefore, this variant has been classified as Likely Pathogenic.

Laboratorio de Genetica e Diagnostico Molecular, Hospital Israelita Albert Einstein
Classification: Uncertain significance for Intellectual developmental disorder, autosomal dominant 29. Last evaluated: 2022-04-29. Review status: criteria provided, single submitter. Criteria: ACMG Guidelines, 2015. Collection method: clinical testing. Allele origin: germline. Affected: yes.
Comment: ACMG classification criteria: PP3 supporting

New York Genome Center
Classification: Uncertain significance for Intellectual developmental disorder, autosomal dominant 29. Last evaluated: 2020-09-23. Review status: criteria provided, single submitter. Criteria: NYGC Assertion Criteria 2020. Collection method: clinical testing. Allele origin: inherited. Observed: 1 heterozygote. Study: CSER-NYCKidSeq.
Comment: The inherited heterozygous c.487-1G>A splice site variant identified in the SETBP1 gene is located in intron 2 of 5 (at intron 2/exon 3 splice site). It destroys the canonical splice acceptor site and is predicted to cause abnormal splicing of SETBP1mRNA. This variant has been reported in ClinVar database as likely pathogenic (ClinVar ID: 429524). The variant has also been reported in a patient with ovarian serous cystadenocarcinoma with no mention of aneurological abnormality [PMID: 29625052]. The c.487-1G>A variant has 0.00005913 allele frequency in the gnomAD(v3) database (9 out of 152,212 heterozygous alleles). Given that the variant is inherited from asymptomatic parent, its presence in multiple individuals in gnomAD database which presumably doesn’t include patients affected with early onset disorders, lack of sufficient evidence of reduced penetrance, and in the absence of any functional studies, we interpret the c.487-1G>A splice site variant as a variant of uncertain significance in the context of an early onset neurological disorder.

GeneDx
Classification: Uncertain significance. Last evaluated: 2020-07-24. Review status: criteria provided, single submitter. Criteria: GeneDx Variant Classification Process June 2021. Collection method: clinical testing. Allele origin: germline. Affected: yes.
Comment: Canonical splice site variant predicted to result in an in-frame deletion exon 3; Has not been previously published as pathogenic or benign to our knowledge; This variant is associated with the following publications: (PMID: 29625052)

Literature cited by the submitters: PubMed 16199547 (cited by Labcorp Genetics (formerly Invitae), Labcorp); PubMed 21037274 (cited by Labcorp Genetics (formerly Invitae), Labcorp); PubMed 25217958 (cited by Labcorp Genetics (formerly Invitae), Labcorp).